The following is an entry in ClinVar:

ClinVar aggregate classification (germline): Pathogenic. Review status: criteria provided, single submitter (1 of 4 stars). 2 submissions from 2 submitters: Pathogenic (1). 1 of the submissions does not count toward it. Last evaluated 2023-03-18.

Conditions:
Fanconi anemia complementation group D2. Also called: FANCD2-Related Fanconi Anemia; FANCONI PANCYTOPENIA, TYPE 4; FANCONI ANEMIA, COMPLEMENTATION GROUP D. Identifiers: Orphanet 84, MedGen C3160738, MONDO:0009214, OMIM 227646.
Fanconi anemia (FA). Also called: Fanconi's anemia. Identifiers: Orphanet 84, MedGen C0015625, MeSH D005199, MONDO:0019391.

Allele frequency attached by ClinVar (database versions not stated): gnomAD exomes below 0.00001.

Submissions (2):

Labcorp Genetics (formerly Invitae), Labcorp
Classification: Pathogenic for Fanconi anemia. Last evaluated: 2023-03-18. Review status: criteria provided, single submitter. Criteria: Invitae Variant Classification Sherloc (09022015). Collection method: clinical testing. Allele origin: germline.
Comment: This sequence change creates a premature translational stop signal (p.Gln802*) in the FANCD2 gene. It is expected to result in an absent or disrupted protein product. Loss-of-function variants in FANCD2 are known to be pathogenic (PMID: 17436244). This variant is present in population databases (no rsID available, gnomAD 0.003%). This premature translational stop signal has been observed in individual(s) with clinical features of Fanconi anemia (PMID: 17436244). ClinVar contains an entry for this variant (Variation ID: 929661). Algorithms developed to predict the effect of sequence changes on RNA splicing suggest that this variant may disrupt the consensus splice site. For these reasons, this variant has been classified as Pathogenic.

Leiden Open Variation Database
Classification: Pathogenic for Fanconi anemia complementation group D2. Last evaluated: 2020-02-28. Review status: no assertion criteria provided. Collection method: curation. Allele origin: germline. Affected: yes. Not counted in ClinVar's aggregate classification.
Comment: Curator: Arleen D. Auerbach. Submitter to LOVD: Arleen D. Auerbach.

Literature cited by the submitters: PubMed 17436244 (cited by Labcorp Genetics (formerly Invitae), Labcorp and Leiden Open Variation Database).

NM_001018115.3(FANCD2):c.2404C>T (p.Gln802Ter)

Genes: FANCD2 (FA complementation group D2; plus strand), LOC107303338 (3p25 FANCD2 Alu-mediated recombination region; plus strand). Cytogenetic location: 3p25.3.
Variant type: single nucleotide variant.
Coding change: c.2404C>T on transcript NM_001018115.3 (MANE Select); coding-DNA position 2404, C replaced by T.
Protein change: p.Gln802Ter; replaces glutamine 802 with a stop codon.
Molecular consequence: nonsense.
Genome position (GRCh38, 1-based): chr3:10,067,227, C>T. VCF-style: chr3-10067227-C-T. GRCh37 (hg19) VCF-style: chr3-10108911-C-T.
Other names: c.2404C>T, p.Gln802Ter (NM_001319984.2, NM_001374254.1, NM_033084.6); c.2293C>T, p.Gln765Ter (NM_001374253.1); short protein forms Q765*, Q802*.
Identifiers: ClinVar variation 929661 (VCV000929661.4), dbSNP rs1374735618, ClinGen allele CA351737695.